The following is an entry in ClinVar:

ClinVar aggregate classification (germline): Pathogenic (1 of 4 stars; one submission).

Conditions:
X-linked myopathy with postural muscle atrophy. Also called: FHL1-Related Emery-Dreifuss Muscular Dystrophy, X-Linked. Identifiers: Orphanet 178461, MedGen C2678055, MONDO:0010401, OMIM 300696.

Submission:

Labcorp Genetics (formerly Invitae), Labcorp
Classification: Pathogenic for X-linked myopathy with postural muscle atrophy. Last evaluated: 2019-07-26. Review status: criteria provided, single submitter. Criteria: Invitae Variant Classification Sherloc (09022015). Collection method: clinical testing. Allele origin: germline.
Comment: This sequence change creates a premature translational stop signal (p.Tyr56*) in the FHL1 gene. It is expected to result in an absent or disrupted protein product. This variant is not present in population databases (ExAC no frequency). This variant has not been reported in the literature in individuals with FHL1-related conditions. Loss-of-function variants in FHL1 are known to be pathogenic (PMID: 18179888, 19687455, 19716112, 22523091, 24114807). For these reasons, this variant has been classified as Pathogenic.

Literature cited by the submitters: PubMed 18179888; PubMed 19687455; PubMed 19716112; PubMed 22523091; PubMed 24114807.

NM_001159699.2(FHL1):c.216T>A (p.Tyr72Ter)

Gene: FHL1 (four and a half LIM domains 1; plus strand). Cytogenetic location: Xq26.3.
Variant type: single nucleotide variant.
Coding change: c.216T>A on transcript NM_001159699.2 (MANE Select); coding-DNA position 216, T replaced by A.
Protein change: p.Tyr72Ter; replaces tyrosine 72 with a stop codon.
Molecular consequence: nonsense. On other transcripts: non-coding transcript variant (1).
Genome position (GRCh38, 1-based): chrX:136,207,027, T>A. VCF-style: chrX-136207027-T-A. GRCh37 (hg19) VCF-style: chrX-135289186-T-A.
Other names: c.168T>A, p.Tyr56Ter (NM_001159700.2, NM_001159702.3, NM_001159703.2 and 9 more transcripts); c.255T>A, p.Tyr85Ter (NM_001159701.2); c.216T>A, p.Tyr72Ter (NM_001330659.2); short protein forms Y72*, Y56*, Y85*.
Identifiers: ClinVar variation 945159 (VCV000945159.7), dbSNP rs2073860048, ClinGen allele CA414607901.
Genomic context (GRCh38, chrX:136,207,027, plus strand): 5'-CACCCCCAGCACCCCTCATGGTGGCCCACCCTGTCTGCTTGGTTTCCAGGAGGTGCACTA[T>A]AAGAACCGCTTCTGGCATGACACCTGCTTCCGCTGTGCCAAGTGCCTTCACCCCTTGGCC-3'